The following is an entry in ClinVar:

NM_016107.5(ZFR):c.2142A>G (p.Ala714=)

Gene: ZFR (zinc finger RNA binding protein; minus strand). Cytogenetic location: 5p13.3.
Variant type: single nucleotide variant.
Coding change: c.2142A>G on transcript NM_016107.5 (MANE Select); coding-DNA position 2142, A replaced by G.
Protein change: p.Ala714=; no amino-acid change (alanine 714 retained).
Molecular consequence: synonymous variant. On other transcripts: non-coding transcript variant (1).
Genome position (GRCh38, 1-based): chr5:32,390,275, T>C on the plus strand (A>G on the coding strand, the complement: ZFR is on the minus strand). VCF-style: chr5-32390275-T-C. GRCh37 (hg19) VCF-style: chr5-32390381-T-C.
Identifiers: ClinVar variation 3044538 (VCV003044538.2), dbSNP rs1316326535, ClinGen allele CA443648637.

ClinVar aggregate classification (germline): Likely benign (0 of 4 stars; one submission).

Conditions:
ZFR-related disorder. Also called: ZFR-related condition.

Allele frequency attached by ClinVar (database versions not stated): gnomAD exomes below 0.00001.
gnomAD v4.1: 1 of 1,612,514 alleles (0.000062%); highest among the groups gnomAD compares: South Asian, 0.0011%; no homozygotes.

Submission:

PreventionGenetics, part of Exact Sciences
Classification: Likely benign for ZFR-related condition. Last evaluated: 2023-08-09. Review status: no assertion criteria provided. Collection method: clinical testing. Allele origin: germline.
Comment: This variant is classified as likely benign based on ACMG/AMP sequence variant interpretation guidelines (Richards et al. 2015 PMID: 25741868, with internal and published modifications).